The following is an entry in ClinVar:

ClinVar aggregate classification (germline): Uncertain significance (1 of 4 stars; one submission).

Submission:

Greenwood Genetic Center Diagnostic Laboratories, Greenwood Genetic Center
Classification: Uncertain significance. Last evaluated: 2025-02-20. Review status: criteria provided, single submitter. Criteria: ACMG Guidelines, 2015. Collection method: clinical testing. Allele origin: germline.
Comment: PVS1, BS2

NM_001370100.5(ZMYND11):c.1018del (p.Ser340fs)

Gene: ZMYND11 (zinc finger MYND-type containing 11; plus strand). Cytogenetic location: 10p15.3.
Variant type: Deletion.
Coding change: c.1018del on transcript NM_001370100.5 (MANE Select); coding-DNA position 1018, one base deleted (A; older notation c.1018delA).
Protein change: p.Ser340fs; shifts the reading frame from serine 340.
Molecular consequence: frameshift variant. On other transcripts: non-coding transcript variant (1).
Genome position (GRCh38, 1-based): chr10:246,833, A deleted. VCF-style (leftmost placement, unchanged base first): chr10-246832-CA-C. GRCh37 (hg19) VCF-style: chr10-292772-CA-C.
Other names: c.1018del, p.Ser340fs (NM_001370101.2, NM_001370102.2, NM_001370117.2 and 5 more transcripts); c.856del, p.Ser286fs (NM_001370103.2, NM_001370104.2, NM_001370105.2 and 6 more transcripts); c.763del, p.Ser255fs (NM_001370110.2, NM_001202465.3); c.853del, p.Ser285fs (NM_001370111.2, NM_001202466.3); c.967del, p.Ser323fs (NM_001370112.2, NM_001330057.3); c.925del, p.Ser309fs (NM_001370113.2, NM_001370114.2); c.1015del, p.Ser339fs (NM_001370115.2, NM_212479.4); c.952del, p.Ser318fs (NM_001370116.2); and 7 more; short protein forms S183fs, S221fs, S238fs, S246fs, S255fs, S264fs, S285fs, S286fs.
Identifiers: ClinVar variation 4851701 (VCV004851701.1).